The following is an entry in ClinVar:

NM_001040108.2(MLH3):c.503T>C (p.Phe168Ser)

Gene: MLH3 (mutL homolog 3; minus strand). Cytogenetic location: 14q24.3.
Variant type: single nucleotide variant.
Coding change: c.503T>C on transcript NM_001040108.2 (MANE Select); coding-DNA position 503, T replaced by C.
Protein change: p.Phe168Ser; replaces phenylalanine 168 with serine.
Molecular consequence: missense variant.
Genome position (GRCh38, 1-based): chr14:75,049,153, A>G on the plus strand (T>C on the coding strand, the complement: MLH3 is on the minus strand). VCF-style: chr14-75049153-A-G. GRCh37 (hg19) VCF-style: chr14-75515856-A-G.
Other names: c.503T>C (NM_001040108.1); c.503T>C, p.Phe168Ser (NM_014381.3); short protein forms F168S.
Identifiers: ClinVar variation 1005325 (VCV001005325.9), dbSNP rs780296518, ClinGen allele CA263653760.

ClinVar aggregate classification (germline): Uncertain significance. Review status: criteria provided, multiple submitters, no conflicts (2 of 4 stars). 2 submissions from 2 submitters: Uncertain significance (2). Last evaluated 2025-01-31.

Conditions:
Colorectal cancer, hereditary nonpolyposis, type 7. Identifiers: Orphanet 144, MedGen C1858380, MONDO:0013725, OMIM 614385.

Allele frequency attached by ClinVar (database versions not stated): gnomAD exomes 0.00001 and 0.00002.
gnomAD v4.1: 33 of 1,614,170 alleles (0.002%); highest among the groups gnomAD compares: Non-Finnish European, 0.0027%; no homozygotes.

Submissions (2):

Ambry Genetics
Classification: Uncertain significance. Last evaluated: 2025-01-31. Review status: criteria provided, single submitter. Criteria: Ambry Variant Classification Scheme 2023. Collection method: clinical testing. Allele origin: germline.
Comment: The p.F168S variant (also known as c.503T>C), located in coding exon 1 of the MLH3 gene, results from a T to C substitution at nucleotide position 503. The phenylalanine at codon 168 is replaced by serine, an amino acid with highly dissimilar properties. This amino acid position is well conserved in available vertebrate species. In addition, the in silico prediction for this alteration is inconclusive. The evidence for this gene-disease relationship is limited; therefore, the clinical significance of this alteration is unclear.

Labcorp Genetics (formerly Invitae), Labcorp
Classification: Uncertain significance for Colorectal cancer, hereditary nonpolyposis, type 7. Last evaluated: 2020-08-24. Review status: criteria provided, single submitter. Criteria: Invitae Variant Classification Sherloc (09022015). Collection method: clinical testing. Allele origin: germline.
Comment: This sequence change replaces phenylalanine with serine at codon 168 of the MLH3 protein (p.Phe168Ser). The phenylalanine residue is moderately conserved and there is a large physicochemical difference between phenylalanine and serine. This variant is not present in population databases (ExAC no frequency). This variant has been observed in individual(s) with colorectal cancer (PMID: 29212164). Algorithms developed to predict the effect of missense changes on protein structure and function (SIFT, PolyPhen-2, Align-GVGD) all suggest that this variant is likely to be tolerated, but these predictions have not been confirmed by published functional studies and their clinical significance is uncertain. In summary, the available evidence is currently insufficient to determine the role of this variant in disease. Therefore, it has been classified as a Variant of Uncertain Significance.

Literature cited by the submitters: PubMed 29212164 (cited by Labcorp Genetics (formerly Invitae), Labcorp).